The following is an entry in ClinVar:

NM_005633.4(SOS1):c.2545G>A (p.Val849Ile)

Gene: SOS1 (SOS Ras/Rac guanine nucleotide exchange factor 1; minus strand). Cytogenetic location: 2p22.1.
Variant type: single nucleotide variant.
Coding change: c.2545G>A on transcript NM_005633.4 (MANE Select); coding-DNA position 2545, G replaced by A.
Protein change: p.Val849Ile; replaces valine 849 with isoleucine.
Molecular consequence: missense variant.
Genome position (GRCh38, 1-based): chr2:39,007,159, C>T on the plus strand (G>A on the coding strand, the complement: SOS1 is on the minus strand). VCF-style: chr2-39007159-C-T. GRCh37 (hg19) VCF-style: chr2-39234300-C-T.
Other names: c.2524G>A, p.Val842Ile (NM_001382394.1); c.2545G>A, p.Val849Ile (NM_001382395.1); short protein forms V842I, V849I.
Identifiers: ClinVar variation 1792877 (VCV001792877.7), dbSNP rs957752399, ClinGen allele CA45656398.
Genomic context (GRCh38, chr2:39,007,159, plus strand): 5'-TAAAGTTGTTCAACTCTTGAAAGACTTGTAGAATCTCAATAATTCGACTCACCACAGCTA[C>T]TCTTTCTTCTAAATTTTCAGTTTCTACAATACATCTGGGAATAAAAAAAAAGTGAACTAA-3'
Protein context (NP_005624.2, residues 839-859): IVETENLEER[Val849Ile]AVVSRIIEIL

ClinVar aggregate classification (germline): Conflicting classifications of pathogenicity. Review status: criteria provided, conflicting classifications (1 of 4 stars). 2 submissions from 2 submitters: Uncertain significance (1); Likely benign (1). Last evaluated 2025-08-23.

Conditions:
RASopathy. Also called: rasopathies; Noonan spectrum disorder. Identifiers: Orphanet 536391, MedGen C5555857, MONDO:0021060.
Cardiovascular phenotype. Identifiers: MedGen CN230736.

Allele frequency attached by ClinVar (database versions not stated): gnomAD 0.00002; gnomAD exomes 0.00002; TOPMed 0.00002.
gnomAD v4.1: 32 of 1,605,236 alleles (0.002%); highest among the groups gnomAD compares: Non-Finnish European, 0.0026%; no homozygotes.

Submissions (2):

Labcorp Genetics (formerly Invitae), Labcorp
Classification: Likely benign for RASopathy. Last evaluated: 2025-08-23. Review status: criteria provided, single submitter. Criteria: Invitae Variant Classification Sherloc (09022015). Collection method: clinical testing. Allele origin: germline.

Ambry Genetics
Classification: Uncertain significance for Cardiovascular phenotype. Last evaluated: 2022-09-16. Review status: criteria provided, single submitter. Criteria: Ambry Variant Classification Scheme 2023. Collection method: clinical testing. Allele origin: germline.
Comment: The p.V849I variant (also known as c.2545G>A), located in coding exon 16 of the SOS1 gene, results from a G to A substitution at nucleotide position 2545. The valine at codon 849 is replaced by isoleucine, an amino acid with highly similar properties. This amino acid position is highly conserved in available vertebrate species. In addition, this alteration is predicted to be tolerated by in silico analysis. Since supporting evidence is limited at this time, the clinical significance of this alteration remains unclear.